The following is an entry in ClinVar:

NM_022095.4(ZNF335):c.1006C>T (p.Arg336Trp)

Gene: ZNF335 (zinc finger protein 335; minus strand). Cytogenetic location: 20q13.12.
Variant type: single nucleotide variant.
Coding change: c.1006C>T on transcript NM_022095.4 (MANE Select); coding-DNA position 1006, C replaced by T.
Protein change: p.Arg336Trp; replaces arginine 336 with tryptophan.
Molecular consequence: missense variant.
Genome position (GRCh38, 1-based): chr20:45,965,724, G>A on the plus strand (C>T on the coding strand, the complement: ZNF335 is on the minus strand). VCF-style: chr20-45965724-G-A. GRCh37 (hg19) VCF-style: chr20-44594363-G-A.
Other names: c.1006C>T (NM_022095.3); short protein forms R336W.
Identifiers: ClinVar variation 2414085 (VCV002414085.4), dbSNP rs560421544, ClinGen allele CA9885876.

ClinVar aggregate classification (germline): Uncertain significance. Review status: criteria provided, multiple submitters, no conflicts (2 of 4 stars). 2 submissions from 2 submitters: Uncertain significance (2). Last evaluated 2026-06-11.

Conditions:
ZNF335-related disorder. Also called: ZNF335-related condition.

Allele frequency attached by ClinVar (database versions not stated): gnomAD exomes 0.00004; gnomAD 0.00009; TOPMed 0.00016; 1000 Genomes Project 0.00060; 1000 Genomes Project 30x 0.00078.

Submissions (2):

PreventionGenetics, part of Exact Sciences
Classification: Uncertain significance for ZNF335-related condition. Last evaluated: 2026-06-11. Review status: criteria provided, single submitter. Criteria: ACMG Guidelines, 2015. Collection method: clinical testing. Allele origin: germline.
Comment: The ZNF335 c.1006C>T variant is predicted to result in the amino acid substitution p.Arg336Trp. To our knowledge, this variant has not been reported in the literature. This variant is reported in 0.027% of alleles in individuals of African descent in gnomAD. At this time, the clinical significance of this variant is uncertain due to the absence of conclusive functional and genetic evidence.

Labcorp Genetics (formerly Invitae), Labcorp
Classification: Uncertain significance. Last evaluated: 2022-07-19. Review status: criteria provided, single submitter. Criteria: Invitae Variant Classification Sherloc (09022015). Collection method: clinical testing. Allele origin: germline.
Comment: This sequence change replaces arginine, which is basic and polar, with tryptophan, which is neutral and slightly polar, at codon 336 of the ZNF335 protein (p.Arg336Trp). This variant is present in population databases (rs560421544, gnomAD 0.03%). This variant has not been reported in the literature in individuals affected with ZNF335-related conditions. Algorithms developed to predict the effect of missense changes on protein structure and function (SIFT, PolyPhen-2, Align-GVGD) all suggest that this variant is likely to be disruptive. In summary, the available evidence is currently insufficient to determine the role of this variant in disease. Therefore, it has been classified as a Variant of Uncertain Significance.